The following is an entry in ClinVar:

ClinVar aggregate classification (germline): Uncertain significance (1 of 4 stars; one submission).

Conditions:
Perlman syndrome (PRLMNS). Identifiers: Orphanet 2849, MedGen C0796113, MONDO:0009965, OMIM 267000.

Allele frequency attached by ClinVar (database versions not stated): gnomAD exomes below 0.00001; TOPMed 0.00001.
gnomAD v4.1: 2 of 1,550,930 alleles (0.00013%); highest among the groups gnomAD compares: African/African-American, 0.0027%; no homozygotes.

Submission:

Labcorp Genetics (formerly Invitae), Labcorp
Classification: Uncertain significance for Perlman syndrome. Last evaluated: 2022-08-04. Review status: criteria provided, single submitter. Criteria: Invitae Variant Classification Sherloc (09022015). Collection method: clinical testing. Allele origin: germline.
Comment: In summary, the available evidence is currently insufficient to determine the role of this variant in disease. Therefore, it has been classified as a Variant of Uncertain Significance. Algorithms developed to predict the effect of missense changes on protein structure and function output the following: SIFT: "Tolerated"; PolyPhen-2: "Benign"; Align-GVGD: "Class C0". The isoleucine amino acid residue is found in multiple mammalian species, which suggests that this missense change does not adversely affect protein function. ClinVar contains an entry for this variant (Variation ID: 642533). This variant has not been reported in the literature in individuals affected with DIS3L2-related conditions. This variant is not present in population databases (gnomAD no frequency). This sequence change replaces valine, which is neutral and non-polar, with isoleucine, which is neutral and non-polar, at codon 819 of the DIS3L2 protein (p.Val819Ile).

NM_152383.5(DIS3L2):c.2455G>A (p.Val819Ile)

Gene: DIS3L2 (DIS3 like 3'-5' exoribonuclease 2; plus strand). Cytogenetic location: 2q37.1.
Variant type: single nucleotide variant.
Coding change: c.2455G>A on transcript NM_152383.5 (MANE Select); coding-DNA position 2455, G replaced by A.
Protein change: p.Val819Ile; replaces valine 819 with isoleucine.
Molecular consequence: missense variant. On other transcripts: non-coding transcript variant (2), intron variant (1).
Genome position (GRCh38, 1-based): chr2:232,335,833, G>A. VCF-style: chr2-232335833-G-A. GRCh37 (hg19) VCF-style: chr2-233200543-G-A.
Other names: c.1582-7512G>A (NM_001257281.2); short protein forms V819I.
Identifiers: ClinVar variation 642533 (VCV000642533.10), dbSNP rs891931139, ClinGen allele CA350978261.